The following is an entry in ClinVar:

NM_001040716.2(PC):c.44del (p.Gly15fs)

Gene: PC (pyruvate carboxylase; minus strand). Cytogenetic location: 11q13.2.
Variant type: Deletion.
Coding change: c.44del on transcript NM_001040716.2 (MANE Select); coding-DNA position 44, one base deleted (G; older notation c.44delG).
Protein change: p.Gly15fs; shifts the reading frame from glycine 15.
Molecular consequence: frameshift variant.
Genome position (GRCh38, 1-based): chr11:66,872,116, C deleted on the plus strand (G on the coding strand, the reverse complement: PC is on the minus strand); the first of 3 consecutive C bases (chr11:66,872,116-66,872,118); deleting any one gives the same sequence. VCF-style (leftmost placement, unchanged base first): chr11-66872115-TC-T. GRCh37 (hg19) VCF-style: chr11-66639586-TC-T.
Other names: c.44del, p.Gly15fs (NM_000920.4, NM_022172.3); short protein forms G15fs.
Identifiers: ClinVar variation 1724724 (VCV001724724.2), dbSNP rs1169371609, ClinGen allele CA679444184.

ClinVar aggregate classification (germline): Likely pathogenic (1 of 4 stars; one submission).

Conditions:
Pyruvate carboxylase deficiency. Also called: ATAXIA WITH LACTIC ACIDOSIS II; LEIGH NECROTIZING ENCEPHALOPATHY DUE TO PYRUVATE CARBOXYLASE DEFICIENCY; LEIGH SYNDROME DUE TO PYRUVATE CARBOXYLASE DEFICIENCY; PC DEFICIENCY; Pyruvate Carboxylase Deficiency Disease. Identifiers: Orphanet 3008, MedGen C0034341, MONDO:0009949, OMIM 266150.

Submission:

Myriad Genetics, Inc.
Classification: Likely pathogenic for Pyruvate carboxylase deficiency. Last evaluated: 2022-02-25. Review status: criteria provided, single submitter. Criteria: Myriad Women's Health Autosomal Recessive and X-Linked Classification Criteria (2021). Collection method: clinical testing. Allele origin: unknown.
Comment: NM_000920.3(PC):c.44delG(G15Efs*50) is expected to be pathogenic in the context of pyruvate carboxylase deficiency. This variant is predicted to lead to an abnormal or absent protein product due to the creation of a premature termination codon in PC, a gene where loss-of-function variants are known to be pathogenic. Please note: this variant was assessed in the context of healthy population screening.